The following is an entry in ClinVar:

NM_001378454.1(ALMS1):c.10703G>C (p.Arg3568Thr)

Gene: ALMS1 (ALMS1 centrosome and basal body associated protein; plus strand). Cytogenetic location: 2p13.1.
Variant type: single nucleotide variant.
Coding change: c.10703G>C on transcript NM_001378454.1 (MANE Select); coding-DNA position 10703, G replaced by C.
Protein change: p.Arg3568Thr; replaces arginine 3568 with threonine.
Molecular consequence: missense variant.
Genome position (GRCh38, 1-based): chr2:73,572,580, G>C. VCF-style: chr2-73572580-G-C. GRCh37 (hg19) VCF-style: chr2-73799707-G-C.
Other names: c.10706G>C, p.Arg3569Thr (NM_015120.4); short protein forms R3568T, R3569T.
Identifiers: ClinVar variation 2141309 (VCV002141309.4), dbSNP rs1193489151, ClinGen allele CA347284948.

ClinVar aggregate classification (germline): Uncertain significance (1 of 4 stars; one submission).

Conditions:
Alstrom syndrome (ALMS). Identifiers: Orphanet 64, MedGen C0268425, MONDO:0008763, OMIM 203800.

Allele frequency attached by ClinVar (database versions not stated): TOPMed below 0.00001; gnomAD 0.00001.
gnomAD v4.1: 1 of 1,613,738 alleles (0.000062%); highest among the groups gnomAD compares: African/African-American, 0.0013%; no homozygotes.

Submission:

Labcorp Genetics (formerly Invitae), Labcorp
Classification: Uncertain significance for Alstrom syndrome. Last evaluated: 2022-03-10. Review status: criteria provided, single submitter. Criteria: Invitae Variant Classification Sherloc (09022015). Collection method: clinical testing. Allele origin: germline.
Comment: In summary, the available evidence is currently insufficient to determine the role of this variant in disease. Therefore, it has been classified as a Variant of Uncertain Significance. Experimental studies and prediction algorithms are not available or were not evaluated, and the functional significance of this variant is currently unknown. This variant has not been reported in the literature in individuals affected with ALMS1-related conditions. This variant is not present in population databases (gnomAD no frequency). This sequence change replaces arginine, which is basic and polar, with threonine, which is neutral and polar, at codon 3569 of the ALMS1 protein (p.Arg3569Thr).